The following is an entry in ClinVar:

NM_000133.4(F9):c.110C>T (p.Ala37Val)

Gene: F9 (coagulation factor IX; plus strand). Cytogenetic location: Xq27.1.
Variant type: single nucleotide variant.
Coding change: c.110C>T on transcript NM_000133.4 (MANE Select); coding-DNA position 110, C replaced by T.
Protein change: p.Ala37Val; replaces alanine 37 with valine.
Molecular consequence: missense variant.
Genome position (GRCh38, 1-based): chrX:139,537,031, C>T. VCF-style: chrX-139537031-C-T. GRCh37 (hg19) VCF-style: chrX-138619190-C-T.
Other names: F9, ALA-10VAL; c.110C>T, p.Ala37Val (NM_001313913.2); short protein forms A37V.
Identifiers: ClinVar variation 10661 (VCV000010661.3), dbSNP rs1327097914, ClinGen allele CA414435437.
Genomic context (GRCh38, chrX:139,537,031, plus strand): 5'-TTTTTGCTAAAACTAAAGAATTATTCTTTTACATTTCAGTTTTTCTTGATCATGAAAACG[C>T]CAACAAAATTCTGAATCGGCCAAAGAGGTATAATTCAGGTAAATTGGAAGAGTTTGTTCA-3'
Protein context (NP_000124.1, residues 27-47): ECTVFLDHEN[Ala37Val]NKILNRPKRY

ClinVar aggregate classification (germline): Likely pathogenic. Review status: criteria provided, single submitter (1 of 4 stars). 2 submissions from 2 submitters: Likely pathogenic (1). 1 of the submissions does not count toward it. Last evaluated 2025-09-19.

Conditions:
F9-related disorder. Also called: F9-related condition.
Warfarin sensitivity, X-linked. Also called: COUMARIN SENSITIVITY, X-LINKED. Identifiers: MedGen C5393318, OMIM 301052, MONDO:0026768.

Allele frequency attached by ClinVar (database versions not stated): gnomAD exomes below 0.00001; TOPMed 0.00001.
gnomAD v4.1: 3 of 1,207,258 alleles (0.00025%); highest among the groups gnomAD compares: Non-Finnish European, 0.00034%; no homozygotes.

Submissions (2):

PreventionGenetics, part of Exact Sciences
Classification: Likely pathogenic for F9-related condition. Last evaluated: 2025-09-19. Review status: criteria provided, single submitter. Criteria: ACMG Guidelines, 2015. Collection method: clinical testing. Allele origin: germline.
Comment: The F9 c.110C>T variant is predicted to result in the amino acid substitution p.Ala37Val. This variant, also known as Ala-10Val, has been reported in several individuals with anticoagulant therapy-related bleeding disorder (Oldenburg et al. 1997. PubMed ID: 9233593; Pezeshkpoor et al. 2018. PubMed ID: 29450643; Mülling et al. 2021. PubMed ID: 34187575). Functional studies using HEK293 cells showed the p.Ala37Val significantly reduced F9 activity (Pezeshkpoor et al. 2018. PubMed ID: 29450643; Gao et al. 2020. PubMed ID: 32766856). Additionally, different variants at the same amino acid residue (p.Ala37Asp and p.Ala37Thr) have been associated with hemophilia B or Warfarin sensitivity (Belvini et al. 2005. PubMed ID: 15921378; Oldenburg et al. 1997. PubMed ID: 9233593). This variant is reported in 0.0022% of alleles in individuals of European (non-Finnish) descent in gnomAD. This variant is interpreted as likely pathogenic.

OMIM
Classification: Pathogenic for WARFARIN SENSITIVITY, X-LINKED. Last evaluated: 1997-07-01. Review status: no assertion criteria provided. Collection method: literature only. Allele origin: germline. Not counted in ClinVar's aggregate classification.

Literature cited by the submitters: PubMed 9233593 (cited by OMIM).